The following is an entry in ClinVar:

ClinVar aggregate classification (germline): Uncertain significance. Review status: criteria provided, multiple submitters, no conflicts (2 of 4 stars). 2 submissions from 2 submitters: Uncertain significance (2). Last evaluated 2024-09-01.

Allele frequency attached by ClinVar (database versions not stated): gnomAD exomes below 0.00001.
gnomAD v4.1: 1 of 1,614,166 alleles (0.000062%); highest among the groups gnomAD compares: Non-Finnish European, 0.000085%; no homozygotes.

Submissions (2):

CeGaT Center for Human Genetics Tuebingen
Classification: Uncertain significance. Last evaluated: 2024-09-01. Review status: criteria provided, single submitter. Criteria: CeGaT Center For Human Genetics Tuebingen Variant Classification Criteria Version 2. Collection method: clinical testing. Allele origin: germline. Affected: yes. Observed: 1 variant allele.
Comment: SYNE1: PM2

Eurofins Ntd Llc (ga)
Classification: Uncertain significance. Last evaluated: 2018-05-21. Review status: criteria provided, single submitter. Criteria: EGL ClinVar v180209 classification definitions. Collection method: clinical testing. Allele origin: germline. Observed: 1 variant allele, 1 heterozygote.

NM_182961.4(SYNE1):c.16697A>G (p.Tyr5566Cys)

Gene: SYNE1 (spectrin repeat containing nuclear envelope protein 1; minus strand). Cytogenetic location: 6q25.2.
Variant type: single nucleotide variant.
Coding change: c.16697A>G on transcript NM_182961.4 (MANE Select); coding-DNA position 16697, A replaced by G.
Protein change: p.Tyr5566Cys; replaces tyrosine 5566 with cysteine.
Molecular consequence: missense variant.
Genome position (GRCh38, 1-based): chr6:152,316,862, T>C on the plus strand (A>G on the coding strand, the complement: SYNE1 is on the minus strand). VCF-style: chr6-152316862-T-C. GRCh37 (hg19) VCF-style: chr6-152637997-T-C.
Other names: c.16484A>G, p.Tyr5495Cys (NM_033071.5); short protein forms Y5495C, Y5566C.
Identifiers: ClinVar variation 597253 (VCV000597253.19), dbSNP rs200276162, ClinGen allele CA150210740.